The following is an entry in ClinVar:

ClinVar aggregate classification (germline): Uncertain significance (1 of 4 stars; one submission).

Allele frequency attached by ClinVar (database versions not stated): gnomAD exomes below 0.00001.
gnomAD v4.1: 1 of 1,210,972 alleles (0.000083%); highest among the groups gnomAD compares: Non-Finnish European, 0.00011%; no homozygotes.

Submission:

Labcorp Genetics (formerly Invitae), Labcorp
Classification: Uncertain significance. Last evaluated: 2022-10-17. Review status: criteria provided, single submitter. Criteria: Invitae Variant Classification Sherloc (09022015). Collection method: clinical testing. Allele origin: germline.
Comment: This sequence change replaces isoleucine, which is neutral and non-polar, with methionine, which is neutral and non-polar, at codon 573 of the TLR7 protein (p.Ile573Met). In summary, the available evidence is currently insufficient to determine the role of this variant in disease. Therefore, it has been classified as a Variant of Uncertain Significance. Algorithms developed to predict the effect of missense changes on protein structure and function are either unavailable or do not agree on the potential impact of this missense change (SIFT: "Deleterious"; PolyPhen-2: "Possibly Damaging"; Align-GVGD: "Class C0"). This variant has not been reported in the literature in individuals affected with TLR7-related conditions. This variant is not present in population databases (gnomAD no frequency).

NM_016562.4(TLR7):c.1719A>G (p.Ile573Met)

Gene: TLR7 (toll like receptor 7; plus strand). Cytogenetic location: Xp22.2.
Variant type: single nucleotide variant.
Coding change: c.1719A>G on transcript NM_016562.4 (MANE Select); coding-DNA position 1719, A replaced by G.
Protein change: p.Ile573Met; replaces isoleucine 573 with methionine.
Molecular consequence: missense variant.
Genome position (GRCh38, 1-based): chrX:12,887,227, A>G. VCF-style: chrX-12887227-A-G. GRCh37 (hg19) VCF-style: chrX-12905346-A-G.
Other names: short protein forms I573M.
Identifiers: ClinVar variation 2035849 (VCV002035849.4), dbSNP rs2518438539, ClinGen allele CA412408301.
Genomic context (GRCh38, chrX:12,887,227, plus strand): 5'-GCTTGATTTACTCCATTCAACAGCATTTGAAGAGCTTCACAAACTGGAAGTTCTGGATAT[A>G]AGCAGTAATAGCCATTATTTTCAATCAGAAGGAATTACTCATATGCTAAACTTTACCAAG-3'
Protein context (NP_057646.1, residues 563-583): EELHKLEVLD[Ile573Met]SSNSHYFQSE